The following is an entry in ClinVar:

ClinVar aggregate classification (germline): Uncertain significance (1 of 4 stars; one submission).

gnomAD v4.1: 18 of 1,210,646 alleles (0.0015%); highest among the groups gnomAD compares: Middle Eastern, 0.023%; no homozygotes.

Submission:

Labcorp Genetics (formerly Invitae), Labcorp
Classification: Uncertain significance. Last evaluated: 2025-06-17. Review status: criteria provided, single submitter. Criteria: Invitae Variant Classification Sherloc (09022015). Collection method: clinical testing. Allele origin: germline.
Comment: This sequence change replaces alanine, which is neutral and non-polar, with valine, which is neutral and non-polar, at codon 523 of the SH3KBP1 protein (p.Ala523Val). This variant is present in population databases (no rsID available, gnomAD 0.008%). This variant has not been reported in the literature in individuals affected with SH3KBP1-related conditions. Invitae Evidence Modeling of protein sequence and biophysical properties (such as structural, functional, and spatial information, amino acid conservation, physicochemical variation, residue mobility, and thermodynamic stability) indicates that this missense variant is not expected to disrupt SH3KBP1 protein function with a negative predictive value of 80%. In summary, the available evidence is currently insufficient to determine the role of this variant in disease. Therefore, it has been classified as a Variant of Uncertain Significance.

NM_031892.3(SH3KBP1):c.1568C>T (p.Ala523Val)

Gene: SH3KBP1 (SH3 domain containing kinase binding protein 1; minus strand). Cytogenetic location: Xp22.12.
Variant type: single nucleotide variant.
Coding change: c.1568C>T on transcript NM_031892.3 (MANE Select); coding-DNA position 1568, C replaced by T.
Protein change: p.Ala523Val; replaces alanine 523 with valine.
Molecular consequence: missense variant. On other transcripts: intron variant (7).
Genome position (GRCh38, 1-based): chrX:19,545,977, G>A on the plus strand (C>T on the coding strand, the complement: SH3KBP1 is on the minus strand). VCF-style: chrX-19545977-G-A. GRCh37 (hg19) VCF-style: chrX-19564095-G-A.
Other names: c.1457C>T, p.Ala486Val (NM_001024666.3); c.854C>T, p.Ala285Val (NM_001184960.2); c.1643C>T, p.Ala548Val (NM_001353891.2); c.1466C>T, p.Ala489Val (NM_001353893.2); c.1700C>T, p.Ala567Val (NM_001410756.1); c.1495-3784C>T (NM_001353890.2); c.1570-3784C>T (NM_001353892.2); c.1627-3784C>T (NM_001410757.1); and 4 more; short protein forms A486V, A489V, A567V, A523V, A285V, A548V.
Identifiers: ClinVar variation 4696202 (VCV004696202.1).